The following is an entry in ClinVar:

ClinVar aggregate classification (germline): Uncertain significance. Review status: criteria provided, multiple submitters, no conflicts (2 of 4 stars). 2 submissions from 2 submitters: Uncertain significance (2). Last evaluated 2025-07-16.

Conditions:
Malignant hyperthermia, susceptibility to, 1 (MHS1). Also called: Anesthesia related hyperthermia; Malignant hyperpyrexia; Fulminating hyperpyrexia; Pharmacogenic myopathy; RYR1-Related Malignant Hyperthermia Susceptibility; Malignant hyperthermia suceptibility 1. Identifiers: Orphanet 423, MedGen C2930980, MONDO:0007783, OMIM 145600.

Allele frequency attached by ClinVar (database versions not stated): gnomAD exomes below 0.00001; TOPMed below 0.00001; gnomAD 0.00001.
gnomAD v4.1: 2 of 1,611,640 alleles (0.00012%); highest among the groups gnomAD compares: Non-Finnish European, 0.00017%; no homozygotes.

Submissions (2):

Color Diagnostics, LLC DBA Color Health
Classification: Uncertain significance for Malignant hyperthermia, susceptibility to, 1. Last evaluated: 2025-07-16. Review status: criteria provided, single submitter. Criteria: ACMG Guidelines, 2015. Collection method: clinical testing. Allele origin: germline.
Comment: This missense variant replaces phenylalanine with leucine at codon 2012 of the RYR1 protein. Computational prediction is inconclusive regarding the impact of this variant on protein structure and function. To our knowledge, functional studies have not been reported for this variant. This variant has not been reported in individuals affected with RYR1-related disorders in the literature. This variant has not been identified in the general population by the Genome Aggregation Database (gnomAD). The available evidence is insufficient to determine the role of this variant in disease conclusively. Therefore, this variant is classified as a Variant of Uncertain Significance.

PreventionGenetics, part of Exact Sciences
Classification: Uncertain significance. Last evaluated: 2013-10-23. Review status: criteria provided, single submitter. Criteria: ACMG Guidelines, 2015. Collection method: clinical testing. Allele origin: germline.

NM_000540.3(RYR1):c.6034T>C (p.Phe2012Leu)

Gene: RYR1 (ryanodine receptor 1; plus strand). Cytogenetic location: 19q13.2.
Variant type: single nucleotide variant.
Coding change: c.6034T>C on transcript NM_000540.3 (MANE Select); coding-DNA position 6034, T replaced by C.
Protein change: p.Phe2012Leu; replaces phenylalanine 2012 with leucine.
Molecular consequence: missense variant.
Genome position (GRCh38, 1-based): chr19:38,490,639, T>C. VCF-style: chr19-38490639-T-C. GRCh37 (hg19) VCF-style: chr19-38981279-T-C.
Other names: c.6034T>C, p.Phe2012Leu (NM_001042723.2); short protein forms F2012L.
Identifiers: ClinVar variation 590566 (VCV000590566.3), dbSNP rs1445407200, ClinGen allele CA405660743.